The following is an entry in ClinVar:

ClinVar aggregate classification (germline): Pathogenic (1 of 4 stars; one submission).

Conditions:
Hypertrophic cardiomyopathy. Also called: HYPERTROPHIC MYOCARDIOPATHY. Identifiers: Orphanet 217569, MedGen C0007194, MeSH D002312, MONDO:0005045, HP:0001639.

Submission:

Labcorp Genetics (formerly Invitae), Labcorp
Classification: Pathogenic for Hypertrophic cardiomyopathy. Last evaluated: 2022-11-01. Review status: criteria provided, single submitter. Criteria: Invitae Variant Classification Sherloc (09022015). Collection method: clinical testing. Allele origin: germline.
Comment: This sequence change creates a premature translational stop signal (p.Ser861Leufs*20) in the MYBPC3 gene. It is expected to result in an absent or disrupted protein product. Loss-of-function variants in MYBPC3 are known to be pathogenic (PMID: 19574547). This variant is not present in population databases (gnomAD no frequency). This variant has not been reported in the literature in individuals affected with MYBPC3-related conditions. ClinVar contains an entry for this variant (Variation ID: 654573). For these reasons, this variant has been classified as Pathogenic.

Literature cited by the submitters: PubMed 19574547.

NM_000256.3(MYBPC3):c.2572_2576dup (p.Ser861fs)

Gene: MYBPC3 (myosin binding protein C3; minus strand). Cytogenetic location: 11p11.2.
Variant type: Duplication.
Coding change: c.2572_2576dup on transcript NM_000256.3 (MANE Select); coding-DNA positions 2572 to 2576, 5 bases duplicated (AGCCC; older notation c.2572_2576dupAGCCC).
Protein change: p.Ser861fs; shifts the reading frame from serine 861.
Molecular consequence: frameshift variant.
Genome position (GRCh38, 1-based): chr11:47,337,417-47,337,421, GGGCT duplicated on the plus strand (AGCCC on the coding strand, the reverse complement: MYBPC3 is on the minus strand); duplicating any 5 consecutive bases within chr11:47,337,417-47,337,425 gives the same sequence; the c. name uses the placement nearest the transcript's 3' end. VCF-style (leftmost placement, unchanged base first): chr11-47337416-A-AGGGCT. GRCh37 (hg19) VCF-style: chr11-47358967-A-AGGGCT.
Other names: c.2572_2576dup, p.Ser861fs (LRG_386t1); short protein forms S861fs.
Identifiers: ClinVar variation 654573 (VCV000654573.6), dbSNP rs1595843549, ClinGen allele CA915948146.
Genomic context (GRCh38, chr11:47,337,416, plus strand): 5'-GGGGCGGGGGGCAGGACCAGGCCAGGCAGGCTCACCGATAGGCATGAAGGGCTGGGAGGC[A>AGGGCT]GGGCTGGGCCTGGACATGCCGATGGCGTTGACCGCGTAGACGCGCATCTCGTACACCACG-3'